The following is an entry in ClinVar:

NM_003073.5(SMARCB1):c.934_981del (p.Ala312_Ala327del)

Gene: SMARCB1 (SWI/SNF related BAF chromatin remodeling complex subunit B1; plus strand). Cytogenetic location: 22q11.23.
Variant type: Deletion.
Coding change: c.934_981del on transcript NM_003073.5 (MANE Select); coding-DNA positions 934 to 981, 48 bases deleted.
Protein change: p.Ala312_Ala327del.
Molecular consequence: inframe deletion.
Genome position (GRCh38, 1-based): chr22:23,825,363-23,825,410, 48 bases deleted; deleting any 48 consecutive bases within chr22:23,825,362-23,825,410 gives the same sequence; the c. name uses the placement nearest the transcript's 3' end. GRCh37 (hg19): chr22:24,167,550-24,167,597.
Other names: c.934_981del (LRG_520t1); c.907_954del, p.Ala303_Ala318del (NM_001007468.3); c.961_1008del, p.Ala321_Ala336del (NM_001317946.2); c.988_1035del, p.Ala330_Ala345del (NM_001362877.2); c.934_981del48 (NM_003073.3).
Identifiers: ClinVar variation 643509 (VCV000643509.10), dbSNP rs1601433521, ClinGen allele CA915952761.
Genomic context (GRCh38, chr22:23,825,361, plus strand): 5'-AGAAGTTTGCCCTGAAGCTGTGCTCGGAGCTGGGGTTGGGCGGGGAGTTTGTCACCACCA[TCGCATACAGCATCCGGGGACAGCTGAGCTGGCATCAGAAGACCTACGC>T]CTTCAGGTAGGATCATGCATGAGTCTCTCCCTCCCTCATCTCCCTGCAAAACTGTTTTGA-3'

ClinVar aggregate classification (germline): Conflicting classifications of pathogenicity. Review status: criteria provided, conflicting classifications (1 of 4 stars). 2 submissions from 2 submitters: Likely pathogenic (1); Uncertain significance (1). Last evaluated 2023-01-11.

Conditions:
Hereditary cancer-predisposing syndrome. Also called: Neoplastic Syndromes, Hereditary; Tumor predisposition; Hereditary neoplastic syndrome; Hereditary Cancer Syndrome. Identifiers: Orphanet 140162, MedGen C0027672, MeSH D009386, MONDO:0015356.

Submissions (2):

Ambry Genetics
Classification: Likely pathogenic for Hereditary cancer-predisposing syndrome. Last evaluated: 2023-01-11. Review status: criteria provided, single submitter. Criteria: Ambry Variant Classification Scheme 2023. Collection method: clinical testing. Allele origin: germline.
Comment: The c.934_981del48 variant (also known as p.A312_A327del) is located in coding exon 7 of the SMARCB1 gene. This variant results from an in-frame deletion at nucleotide positions 934 to 981. This results in the in-frame deletion of 16 amino acid residues at codons 312-327. This alteration has been observed in at least one individual with a personal and/or family history that is consistent with SMARCB1-related disease and tumor testing demonstrated deletion of SMARCB1 and a negative INI1 immunostaining (Ambry internal data). This amino acid region is highly conserved in available vertebrate species. Based on the supporting evidence, this alteration is likely pathogenic for rhabdoid tumor predisposition syndrome; however, the association of this alteration with Coffin-Siris syndrome is unknown.

Labcorp Genetics (formerly Invitae), Labcorp
Classification: Uncertain significance. Last evaluated: 2018-09-06. Review status: criteria provided, single submitter. Criteria: Invitae Variant Classification Sherloc (09022015). Collection method: clinical testing. Allele origin: germline.
Comment: This variant has not been reported in the literature in individuals with SMARCB1-related disease. Experimental studies and prediction algorithms are not available for this variant, and the functional significance of the deleted amino acids is currently unknown. In summary, the available evidence is currently insufficient to determine the role of this variant in disease. Therefore, it has been classified as a Variant of Uncertain Significance. This variant is not present in population databases (ExAC no frequency). This variant, c.934_981del, results in the deletion of 16 amino acids of the SMARCB1 protein (p.Ala312_Ala327del), but otherwise preserves the integrity of the reading frame.